The following is an entry in ClinVar:

ClinVar aggregate classification (germline): Uncertain significance. Review status: criteria provided, multiple submitters, no conflicts (2 of 4 stars). 3 submissions from 3 submitters: Uncertain significance (3). Last evaluated 2025-10-23.

Conditions:
Inborn genetic diseases. Identifiers: MedGen C0950123, MeSH D030342.
Beta-D-mannosidosis (MANSB). Also called: MANNOSIDOSIS, BETA A, LYSOSOMAL; BETA-MANNOSIDASE DEFICIENCY; Beta-Mannosidosis; LYSOSOMAL BETA-MANNOSIDASE DEFICIENCY. Identifiers: Orphanet 118, MedGen C4048196, MONDO:0009562, OMIM 248510.

Allele frequency attached by ClinVar (database versions not stated): gnomAD exomes 0.00003 and 0.00005; ExAC 0.00006; TOPMed 0.00002; gnomAD 0.00003; ESP Exome Variant Server 0.00008.
gnomAD v4.1: 49 of 1,613,204 alleles (0.003%); highest among the groups gnomAD compares: Middle Eastern, 0.033%; no homozygotes.

Submissions (3):

Ambry Genetics
Classification: Uncertain significance for Inborn genetic diseases. Last evaluated: 2025-10-23. Review status: criteria provided, single submitter. Criteria: Ambry Variant Classification Scheme 2023. Collection method: clinical testing. Allele origin: germline.

Labcorp Genetics (formerly Invitae), Labcorp
Classification: Uncertain significance for Beta-D-mannosidosis. Last evaluated: 2022-08-15. Review status: criteria provided, single submitter. Criteria: Invitae Variant Classification Sherloc (09022015). Collection method: clinical testing. Allele origin: germline.
Comment: This sequence change replaces threonine, which is neutral and polar, with asparagine, which is neutral and polar, at codon 847 of the MANBA protein (p.Thr847Asn). This variant is present in population databases (rs376012848, gnomAD 0.007%). This variant has not been reported in the literature in individuals affected with MANBA-related conditions. ClinVar contains an entry for this variant (Variation ID: 647562). Algorithms developed to predict the effect of missense changes on protein structure and function are either unavailable or do not agree on the potential impact of this missense change (SIFT: "Deleterious"; PolyPhen-2: "Benign"; Align-GVGD: "Class C0"). In summary, the available evidence is currently insufficient to determine the role of this variant in disease. Therefore, it has been classified as a Variant of Uncertain Significance.

Illumina Laboratory Services, Illumina
Classification: Uncertain significance for Beta-D-mannosidosis. Last evaluated: 2018-01-13. Review status: criteria provided, single submitter. Criteria: ICSL Variant Classification Criteria 13 December 2019. Collection method: clinical testing. Allele origin: germline.

NM_005908.4(MANBA):c.2540C>A (p.Thr847Asn)

Gene: MANBA (mannosidase beta; minus strand). Cytogenetic location: 4q24.
Variant type: single nucleotide variant.
Coding change: c.2540C>A on transcript NM_005908.4 (MANE Select); coding-DNA position 2540, C replaced by A.
Protein change: p.Thr847Asn; replaces threonine 847 with asparagine.
Molecular consequence: missense variant.
Genome position (GRCh38, 1-based): chr4:102,632,157, G>T on the plus strand (C>A on the coding strand, the complement: MANBA is on the minus strand). VCF-style: chr4-102632157-G-T. GRCh37 (hg19) VCF-style: chr4-103553314-G-T.
Other names: short protein forms T847N.
Identifiers: ClinVar variation 647562 (VCV000647562.8), dbSNP rs376012848, ClinGen allele CA3026592.